The following is an entry in ClinVar:

ClinVar aggregate classification (germline): Uncertain significance (1 of 4 stars; one submission).

Allele frequency attached by ClinVar (database versions not stated): gnomAD 0.00001; gnomAD exomes 0.00001; ExAC 0.00002; TOPMed 0.00003.
gnomAD v4.1: 17 of 1,613,830 alleles (0.0011%); highest among the groups gnomAD compares: Middle Eastern, 0.016%; no homozygotes.

Submission:

GeneDx
Classification: Uncertain significance. Last evaluated: 2023-06-26. Review status: criteria provided, single submitter. Criteria: GeneDx Variant Classification Process June 2021. Collection method: clinical testing. Allele origin: germline. Affected: yes.
Comment: Not observed at significant frequency in large population cohorts (gnomAD); In silico analysis supports that this missense variant does not alter protein structure/function; Has not been previously published as pathogenic or benign to our knowledge

NM_016239.4(MYO15A):c.8335G>A (p.Ala2779Thr)

Gene: MYO15A (myosin XVA; plus strand). Cytogenetic location: 17p11.2.
Variant type: single nucleotide variant.
Coding change: c.8335G>A on transcript NM_016239.4 (MANE Select); coding-DNA position 8335, G replaced by A.
Protein change: p.Ala2779Thr; replaces alanine 2779 with threonine.
Molecular consequence: missense variant.
Genome position (GRCh38, 1-based): chr17:18,155,220, G>A. VCF-style: chr17-18155220-G-A. GRCh37 (hg19) VCF-style: chr17-18058534-G-A.
Other names: short protein forms A2779T.
Identifiers: ClinVar variation 2506773 (VCV002506773.1), dbSNP rs771275539, ClinGen allele CA8425122.